The following is an entry in ClinVar:

ClinVar aggregate classification (germline): Conflicting classifications of pathogenicity. Review status: criteria provided, conflicting classifications (1 of 4 stars). 2 submissions from 2 submitters: Uncertain significance (1); Likely benign (1). Last evaluated 2024-01-09.

Conditions:
Inborn genetic diseases. Identifiers: MedGen C0950123, MeSH D030342.
Charcot-Marie-Tooth disease type 4. Also called: Charcot-Marie-Tooth disease, type IV; Charcot-Marie-Tooth, Type 4. Identifiers: Orphanet 64749, MedGen C4082197, MONDO:0018995.

Allele frequency attached by ClinVar (database versions not stated): gnomAD exomes 0.00001 and 0.00002; TOPMed 0.00001; gnomAD 0.00002.

Submissions (2):

Ambry Genetics
Classification: Likely benign for Inborn genetic diseases. Last evaluated: 2024-01-09. Review status: criteria provided, single submitter. Criteria: Ambry Variant Classification Scheme 2023. Collection method: clinical testing. Allele origin: germline.

Labcorp Genetics (formerly Invitae), Labcorp
Classification: Uncertain significance for Charcot-Marie-Tooth disease type 4. Last evaluated: 2021-09-01. Review status: criteria provided, single submitter. Criteria: Invitae Variant Classification Sherloc (09022015). Collection method: clinical testing. Allele origin: germline.
Comment: This sequence change replaces alanine with threonine at codon 700 of the PRX protein (p.Ala700Thr). The alanine residue is weakly conserved and there is a small physicochemical difference between alanine and threonine. This variant is not present in population databases (ExAC no frequency). This variant has not been reported in the literature in individuals affected with PRX-related conditions. Algorithms developed to predict the effect of missense changes on protein structure and function output the following: SIFT: "Tolerated"; PolyPhen-2: "Benign"; Align-GVGD: "Class C0". The threonine amino acid residue is found in multiple mammalian species, which suggests that this missense change does not adversely affect protein function. In summary, the available evidence is currently insufficient to determine the role of this variant in disease. Therefore, it has been classified as a Variant of Uncertain Significance.

NM_181882.3(PRX):c.2098G>A (p.Ala700Thr)

Gene: PRX (periaxin; minus strand). Cytogenetic location: 19q13.2.
Variant type: single nucleotide variant.
Coding change: c.2098G>A on transcript NM_181882.3 (MANE Select); coding-DNA position 2098, G replaced by A.
Protein change: p.Ala700Thr; replaces alanine 700 with threonine.
Molecular consequence: missense variant. On other transcripts: 3 prime UTR variant (1).
Genome position (GRCh38, 1-based): chr19:40,396,254, C>T on the plus strand (G>A on the coding strand, the complement: PRX is on the minus strand). VCF-style: chr19-40396254-C-T. GRCh37 (hg19) VCF-style: chr19-40902161-C-T.
Other names: c.*2303G>A (NM_020956.2); short protein forms A700T.
Identifiers: ClinVar variation 858503 (VCV000858503.7), dbSNP rs1160407003, ClinGen allele CA405897010.